The following is an entry in ClinVar:

NM_139318.5(KCNH5):c.652G>T (p.Asp218Tyr)

Gene: KCNH5 (potassium voltage-gated channel subfamily H member 5; minus strand). Cytogenetic location: 14q23.2.
Variant type: single nucleotide variant.
Coding change: c.652G>T on transcript NM_139318.5 (MANE Select); coding-DNA position 652, G replaced by T.
Protein change: p.Asp218Tyr; replaces aspartic acid 218 with tyrosine.
Molecular consequence: missense variant.
Genome position (GRCh38, 1-based): chr14:62,981,162, C>A on the plus strand (G>T on the coding strand, the complement: KCNH5 is on the minus strand). VCF-style: chr14-62981162-C-A. GRCh37 (hg19) VCF-style: chr14-63447880-C-A.
Other names: c.652G>T, p.Asp218Tyr (NM_172375.3); short protein forms D218Y.
Identifiers: ClinVar variation 4527563 (VCV004527563.2).

ClinVar aggregate classification (germline): Uncertain significance (1 of 4 stars; one submission).

Submission:

GeneDx
Classification: Uncertain significance. Last evaluated: 2026-10-06. Review status: criteria provided, single submitter. Criteria: GeneDx Variant Classification Process June 2021. Collection method: clinical testing. Allele origin: germline.
Comment: Not observed at significant frequency in large population cohorts (gnomAD); In silico analysis supports that this missense variant has a deleterious effect on protein structure/function; Has not been previously published as pathogenic or benign to our knowledge